The following is an entry in ClinVar:

ClinVar aggregate classification (germline): Uncertain significance. Review status: criteria provided, multiple submitters, no conflicts (2 of 4 stars). 2 submissions from 2 submitters: Uncertain significance (2). Last evaluated 2023-06-30.

Conditions:
Autosomal recessive limb-girdle muscular dystrophy type 2O. Also called: MUSCULAR DYSTROPHY-DYSTROGLYCANOPATHY (LIMB-GIRDLE), TYPE C, 3; MUSCULAR DYSTROPHY-DYSTROGLYCANOPATHY, LIMB-GIRDLE, POMGNT1-RELATED; Limb-Girdle Muscular Dystrophy Type 3C. Identifiers: Orphanet 206564, MedGen C3150417, MONDO:0013161, OMIM 613157.
Muscular dystrophy-dystroglycanopathy (congenital with impaired intellectual development), type B, 3. Also called: Muscular dystrophy-dystroglycanopathy (congenital with intellectual disability), type B3; MUSCULAR DYSTROPHY, CONGENITAL, POMGNT1-RELATED. Identifiers: MedGen C3150412, MONDO:0013155, OMIM 613151.

Allele frequency attached by ClinVar (database versions not stated): gnomAD exomes 0.00001 and 0.00002; TOPMed below 0.00001; ExAC 0.00002.
gnomAD v4.1: 15 of 1,614,222 alleles (0.00093%); highest among the groups gnomAD compares: Middle Eastern, 0.016%; no homozygotes.

Submissions (2):

Blueprint Genetics
Classification: Uncertain significance. Last evaluated: 2023-06-30. Review status: criteria provided, single submitter. Criteria: ACMG Guidelines, 2015. Collection method: clinical testing. Allele origin: germline.

Labcorp Genetics (formerly Invitae), Labcorp
Classification: Uncertain significance for Autosomal recessive limb-girdle muscular dystrophy type 2O; Muscular dystrophy-dystroglycanopathy (congenital with impaired intellectual development), type B, 3. Last evaluated: 2022-07-17. Review status: criteria provided, single submitter. Criteria: Invitae Variant Classification Sherloc (09022015). Collection method: clinical testing. Allele origin: germline.
Comment: This sequence change replaces valine, which is neutral and non-polar, with methionine, which is neutral and non-polar, at codon 304 of the POMGNT1 protein (p.Val304Met). This variant is present in population databases (rs765980130, gnomAD 0.006%). This variant has not been reported in the literature in individuals affected with POMGNT1-related conditions. ClinVar contains an entry for this variant (Variation ID: 934015). Advanced modeling of protein sequence and biophysical properties (such as structural, functional, and spatial information, amino acid conservation, physicochemical variation, residue mobility, and thermodynamic stability) performed at Invitae indicates that this missense variant is expected to disrupt POMGNT1 protein function. In summary, the available evidence is currently insufficient to determine the role of this variant in disease. Therefore, it has been classified as a Variant of Uncertain Significance.

NM_017739.4(POMGNT1):c.910G>A (p.Val304Met)

Genes: POMGNT1 (protein O-linked mannose N-acetylglucosaminyltransferase 1 (beta 1,2-); minus strand), TSPAN1 (tetraspanin 1; plus strand). Cytogenetic location: 1p34.1.
Variant type: single nucleotide variant.
Coding change: c.910G>A on transcript NM_017739.4 (MANE Select); coding-DNA position 910, G replaced by A.
Protein change: p.Val304Met; replaces valine 304 with methionine.
Molecular consequence: missense variant.
Genome position (GRCh38, 1-based): chr1:46,193,895, C>T on the plus strand (G>A on the coding strand, the complement: POMGNT1 is on the minus strand). VCF-style: chr1-46193895-C-T. GRCh37 (hg19) VCF-style: chr1-46659567-C-T.
Other names: c.910G>A, p.Val304Met (NM_001243766.2, NM_001410783.1); c.844G>A, p.Val282Met (NM_001290129.3); c.481G>A, p.Val161Met (NM_001290130.2); short protein forms V161M, V282M, V304M.
Identifiers: ClinVar variation 934015 (VCV000934015.4), dbSNP rs765980130, ClinGen allele CA833571.